The following is an entry in ClinVar:

ClinVar aggregate classification (germline): Uncertain significance (1 of 4 stars; one submission).

Conditions:
Niemann-Pick disease, type C1. Also called: NIEMANN-PICK DISEASE, VARIANT TYPE C1; NEUROVISCERAL STORAGE DISEASE WITH VERTICAL SUPRANUCLEAR OPHTHALMOPLEGIA; NIEMANN-PICK DISEASE WITH CHOLESTEROL ESTERIFICATION BLOCK; NIEMANN-PICK DISEASE WITHOUT SPHINGOMYELINASE DEFICIENCY; NIEMANN-PICK DISEASE, CHRONIC NEURONOPATHIC FORM. Identifiers: Orphanet 646, MedGen C3179455, MONDO:0009757, OMIM 257220.

gnomAD v4.1: 2 of 1,613,068 alleles (0.00012%); highest among the groups gnomAD compares: Non-Finnish European, 0.00017%; no homozygotes.

Submission:

Labcorp Genetics (formerly Invitae), Labcorp
Classification: Uncertain significance for Niemann-Pick disease, type C1. Last evaluated: 2022-06-08. Review status: criteria provided, single submitter. Criteria: Invitae Variant Classification Sherloc (09022015). Collection method: clinical testing. Allele origin: germline.
Comment: This variant has not been reported in the literature in individuals affected with NPC1-related conditions. This variant is present in population databases (no rsID available, gnomAD 0.0009%). This sequence change falls in intron 4 of the NPC1 gene. It does not directly change the encoded amino acid sequence of the NPC1 protein. Algorithms developed to predict the effect of sequence changes on RNA splicing suggest that this variant may disrupt the consensus splice site. In summary, the available evidence is currently insufficient to determine the role of this variant in disease. Therefore, it has been classified as a Variant of Uncertain Significance.

NM_000271.5(NPC1):c.464-16G>A

Gene: NPC1 (NPC intracellular cholesterol transporter 1; minus strand). Cytogenetic location: 18q11.2.
Variant type: single nucleotide variant.
Coding change: c.464-16G>A on transcript NM_000271.5 (MANE Select); 16 bases into the intron before coding-DNA position 464, G replaced by A.
Molecular consequence: intron variant.
Genome position (GRCh38, 1-based): chr18:23,561,543, C>T on the plus strand (G>A on the coding strand, the complement: NPC1 is on the minus strand). VCF-style: chr18-23561543-C-T. GRCh37 (hg19) VCF-style: chr18-21141507-C-T.
Identifiers: ClinVar variation 2003452 (VCV002003452.4), dbSNP rs775634956, ClinGen allele CA628978917.